The following is an entry in ClinVar:

NM_004655.4(AXIN2):c.2068C>G (p.Pro690Ala)

Gene: AXIN2 (axin 2; minus strand). Cytogenetic location: 17q24.1.
Variant type: single nucleotide variant.
Coding change: c.2068C>G on transcript NM_004655.4 (MANE Select); coding-DNA position 2068, C replaced by G.
Protein change: p.Pro690Ala; replaces proline 690 with alanine.
Molecular consequence: missense variant.
Genome position (GRCh38, 1-based): chr17:65,536,393, G>C on the plus strand (C>G on the coding strand, the complement: AXIN2 is on the minus strand). VCF-style: chr17-65536393-G-C. GRCh37 (hg19) VCF-style: chr17-63532511-G-C.
Other names: c.1873C>G, p.Pro625Ala (NM_001363813.1); short protein forms P690A, P625A.
Identifiers: ClinVar variation 3657574 (VCV003657574.2).

ClinVar aggregate classification (germline): Uncertain significance (1 of 4 stars; one submission).

Conditions:
Oligodontia-cancer predisposition syndrome. Also called: TOOTH AGENESIS-COLORECTAL CANCER SYNDROME. Identifiers: Orphanet 300576, MedGen C1837750, MONDO:0012075, OMIM 608615. Disease mechanism: loss of function.

Submission:

Labcorp Genetics (formerly Invitae), Labcorp
Classification: Uncertain significance for Oligodontia-cancer predisposition syndrome. Last evaluated: 2024-06-23. Review status: criteria provided, single submitter. Criteria: Invitae Variant Classification Sherloc (09022015). Collection method: clinical testing. Allele origin: germline.
Comment: This sequence change replaces proline, which is neutral and non-polar, with alanine, which is neutral and non-polar, at codon 690 of the AXIN2 protein (p.Pro690Ala). This variant is not present in population databases (gnomAD no frequency). This variant has not been reported in the literature in individuals affected with AXIN2-related conditions. Advanced modeling of protein sequence and biophysical properties (such as structural, functional, and spatial information, amino acid conservation, physicochemical variation, residue mobility, and thermodynamic stability) performed at Invitae indicates that this missense variant is not expected to disrupt AXIN2 protein function with a negative predictive value of 80%. In summary, the available evidence is currently insufficient to determine the role of this variant in disease. Therefore, it has been classified as a Variant of Uncertain Significance.